The following is an entry in ClinVar:

ClinVar aggregate classification (germline): Uncertain significance (1 of 4 stars; one submission).

Conditions:
Hyperammonemia, type III (NAGSD). Also called: Hyperammonemia due to N-acetylglutamate synthase deficiency. Identifiers: Orphanet 927, MedGen C0268543, MONDO:0009377, OMIM 237310.

Submission:

Labcorp Genetics (formerly Invitae), Labcorp
Classification: Uncertain significance for Hyperammonemia, type III. Last evaluated: 2024-08-28. Review status: criteria provided, single submitter. Criteria: Invitae Variant Classification Sherloc (09022015). Collection method: clinical testing. Allele origin: germline.
Comment: This sequence change replaces arginine, which is basic and polar, with glycine, which is neutral and non-polar, at codon 37 of the NAGS protein (p.Arg37Gly). This variant is not present in population databases (gnomAD no frequency). This variant has not been reported in the literature in individuals affected with NAGS-related conditions. An algorithm developed to predict the effect of missense changes on protein structure and function (PolyPhen-2) suggests that this variant is likely to be tolerated. In summary, the available evidence is currently insufficient to determine the role of this variant in disease. Therefore, it has been classified as a Variant of Uncertain Significance.

NM_153006.3(NAGS):c.109C>G (p.Arg37Gly)

Gene: NAGS (N-acetylglutamate synthase; plus strand). Cytogenetic location: 17q21.31.
Variant type: single nucleotide variant.
Coding change: c.109C>G on transcript NM_153006.3 (MANE Select); coding-DNA position 109, C replaced by G.
Protein change: p.Arg37Gly; replaces arginine 37 with glycine.
Molecular consequence: missense variant.
Genome position (GRCh38, 1-based): chr17:44,004,772, C>G. VCF-style: chr17-44004772-C-G. GRCh37 (hg19) VCF-style: chr17-42082140-C-G.
Other names: short protein forms R37G.
Identifiers: ClinVar variation 3691681 (VCV003691681.2).
Genomic context (GRCh38, chr17:44,004,772, plus strand): 5'-CCGAGGCTGAGAGGCCGGGGAGGCACTGGGGGCGCCCGAAGGCTGAGCTGTGGCGCGCGG[C>G]GGCGGGCGGCGAGGGGCACCAGCCCGGGGCGCCGGCTCAGCACCGCCTGGTCGCAGCCCC-3'
Protein context (NP_694551.1, residues 27-47): GARRLSCGAR[Arg37Gly]RAARGTSPGR